The following is an entry in ClinVar:

ClinVar aggregate classification (germline): Uncertain significance (1 of 4 stars; one submission).

Conditions:
Nemaline myopathy 2 (NEM2). Also called: Nemaline myopathy 2, autosomal recessive. Identifiers: MedGen C1850569, MONDO:0009725, OMIM 256030.

Allele frequency attached by ClinVar (database versions not stated): gnomAD exomes below 0.00001; gnomAD 0.00001.
gnomAD v4.1: 4 of 1,605,564 alleles (0.00025%); highest among the groups gnomAD compares: Admixed American, 0.0017%; no homozygotes.

Submission:

Labcorp Genetics (formerly Invitae), Labcorp
Classification: Uncertain significance for Nemaline myopathy 2. Last evaluated: 2023-07-24. Review status: criteria provided, single submitter. Criteria: Invitae Variant Classification Sherloc (09022015). Collection method: clinical testing. Allele origin: germline.
Comment: This sequence change replaces aspartic acid, which is acidic and polar, with asparagine, which is neutral and polar, at codon 7245 of the NEB protein (p.Asp7245Asn). In summary, the available evidence is currently insufficient to determine the role of this variant in disease. Therefore, it has been classified as a Variant of Uncertain Significance. Experimental studies and prediction algorithms are not available or were not evaluated, and the functional significance of this variant is currently unknown. ClinVar contains an entry for this variant (Variation ID: 1483558). This variant has not been reported in the literature in individuals affected with NEB-related conditions. This variant is not present in population databases (gnomAD no frequency).

NM_001164508.2(NEB):c.21628G>A (p.Asp7210Asn)

Genes: RIF1 (replication timing regulatory factor 1; plus strand), NEB (nebulin; minus strand). Cytogenetic location: 2q23.3.
Variant type: single nucleotide variant.
Coding change: c.21628G>A on transcript NM_001164508.2 (MANE Select); coding-DNA position 21628, G replaced by A.
Protein change: p.Asp7210Asn; replaces aspartic acid 7210 with asparagine.
Molecular consequence: missense variant.
Genome position (GRCh38, 1-based): chr2:151,530,996, C>T on the plus strand (G>A on the coding strand, the complement: NEB is on the minus strand). VCF-style: chr2-151530996-C-T. GRCh37 (hg19) VCF-style: chr2-152387510-C-T.
Other names: c.21628G>A, p.Asp7210Asn (NM_001164507.2); c.21733G>A, p.Asp7245Asn (NM_001271208.2); c.16525G>A, p.Asp5509Asn (NM_004543.5); short protein forms D7210N, D5509N, D7245N.
Identifiers: ClinVar variation 1483558 (VCV001483558.8), dbSNP rs2090426850, ClinGen allele CA348770157.
Genomic context (GRCh38, chr2:151,530,996, plus strand): 5'-ACATCTCATTAGAAGGAGGCCAAGATGAGAGGGACTGCTAAACCATTCTAGTACTTACAT[C>T]ACTGACTTCATCTTTAACCTTGCGGACATGCAGCAACATGGGTGTGTCGTGGATTGTGGT-3'
Protein context (NP_001157980.2, residues 7200-7220): HVRKVKDEVS[Asp7210Asn]LKYKEVYQRN